The following is an entry in ClinVar:

ClinVar aggregate classification (germline): Uncertain significance (1 of 4 stars; one submission).

Conditions:
Gorlin syndrome. Also called: Basal cell nevus syndrome; Nevoid Basal Cell Carcinoma Syndrome. Identifiers: Orphanet 377, MedGen C0004779, MONDO:0007187.
Medulloblastoma (MDB). Also called: MEDULLOBLASTOMA PREDISPOSITION SYNDROME; Medulloblastoma, somatic. Identifiers: Orphanet 616, MedGen C0025149, MeSH D008527, MONDO:0007959, OMIM 155255, HP:0002885.

Submission:

Labcorp Genetics (formerly Invitae), Labcorp
Classification: Uncertain significance for Gorlin syndrome; Medulloblastoma. Last evaluated: 2024-07-16. Review status: criteria provided, single submitter. Criteria: Invitae Variant Classification Sherloc (09022015). Collection method: clinical testing. Allele origin: germline.
Comment: This sequence change replaces isoleucine, which is neutral and non-polar, with methionine, which is neutral and non-polar, at codon 318 of the SUFU protein (p.Ile318Met). This variant is not present in population databases (gnomAD no frequency). This variant has not been reported in the literature in individuals affected with SUFU-related conditions. Advanced modeling of protein sequence and biophysical properties (such as structural, functional, and spatial information, amino acid conservation, physicochemical variation, residue mobility, and thermodynamic stability) performed at Invitae indicates that this missense variant is not expected to disrupt SUFU protein function with a negative predictive value of 80%. In summary, the available evidence is currently insufficient to determine the role of this variant in disease. Therefore, it has been classified as a Variant of Uncertain Significance.

NM_016169.4(SUFU):c.954C>G (p.Ile318Met)

Gene: SUFU (SUFU negative regulator of hedgehog signaling; plus strand). Cytogenetic location: 10q24.32.
Variant type: single nucleotide variant.
Coding change: c.954C>G on transcript NM_016169.4 (MANE Select); coding-DNA position 954, C replaced by G.
Protein change: p.Ile318Met; replaces isoleucine 318 with methionine.
Molecular consequence: missense variant.
Genome position (GRCh38, 1-based): chr10:102,599,476, C>G. VCF-style: chr10-102599476-C-G. GRCh37 (hg19) VCF-style: chr10-104359233-C-G.
Other names: c.954C>G, p.Ile318Met (NM_001178133.2); short protein forms I318M.
Identifiers: ClinVar variation 3762102 (VCV003762102.2).
Genomic context (GRCh38, chr10:102,599,476, plus strand): 5'-TAGTGGTGTCGTTGCAGACACAGAGCAGATCCGGGAGACCCTGAGGAGAGGACTCGAGAT[C>G]AACAGCAAACCTGTCCTTCCACCAATCAACCCTCAGCGGCAGAATGGCCTCGCCCACGAC-3'
Protein context (NP_057253.2, residues 308-328): IRETLRRGLE[Ile318Met]NSKPVLPPIN